The following is an entry in ClinVar:

NM_000518.5(HBB):c.92+6T>C

Genes: HBB (hemoglobin subunit beta; minus strand), LOC106099062 (HBB recombination region; plus strand), LOC107133510 (origin of replication at HBB; plus strand). Cytogenetic location: 11p15.4.
Variant type: single nucleotide variant.
Coding change: c.92+6T>C on transcript NM_000518.5 (MANE Select); 6 bases into the intron after coding-DNA position 92, T replaced by C.
Molecular consequence: intron variant.
Genome position (GRCh38, 1-based): chr11:5,226,924, A>G on the plus strand (T>C on the coding strand, the complement: HBB is on the minus strand). VCF-style: chr11-5226924-A-G. GRCh37 (hg19) VCF-style: chr11-5248154-A-G.
Other names: IVS1+6T>C; IVS1-6T>C; IVS I-6 (T>C); IVS1, T-C, +6; c.92+6T>C (NM_000518.3).
Identifiers: ClinVar variation 15450 (VCV000015450.170), dbSNP rs35724775, ClinGen allele CA125313.
Genomic context (GRCh38, chr11:5,226,924, plus strand): 5'-TCTCTGTCTCCACATGCCCAGTTTCTATTGGTCTCCTTAAACCTGTCTTGTAACCTTGAT[A>G]CCAACCTGCCCAGGGCCTCACCACCAACTTCATCCACGTTCACCTTGCCCCACAGGGCAG-3'

ClinVar aggregate classification (germline): Pathogenic/Likely pathogenic. Review status: criteria provided, multiple submitters, no conflicts (2 of 4 stars). 34 submissions from 32 submitters: Pathogenic (28); Likely pathogenic (2). 4 of the submissions do not count toward it. Last evaluated 2026-09-01.

Conditions:
Beta-thalassemia HBB/LCRB. Identifiers: MedGen CN322236, MONDO:0013517, OMIM 613985.
Erythrocytosis, familial, 6. Also called: ERYTHROCYTOSIS, BETA-GLOBIN TYPE; POLYCYTHEMIA, BETA-GLOBIN TYPE. Identifiers: MedGen C4693822, MONDO:0054801, OMIM 617980.
METHEMOGLOBINEMIA, BETA TYPE. Also called: Methemoglobinemia, beta-globin type. Identifiers: MedGen C1840779, OMIM 617971.
beta Thalassemia (BTHAL). Also called: Cooley's anemia; Erythroblastic anemia; Mediterranean anemia. Identifiers: Orphanet 848, MedGen C0005283, MONDO:0019402. Disease mechanism: loss of function.
Hb SS disease (SCD). Also called: Hemoglobin SS; Sickle cell anemia; Sickle cell disease; HbS disease; Hemoglobin S Disease; Sickling disorder due to hemoglobin S. Identifiers: Orphanet 232, Orphanet 275752, MedGen C0002895, MONDO:0011382, OMIM 603903.
Dominant beta-thalassemia. Also called: Beta-thalassemia, dominant inclusion body type. Identifiers: Orphanet 231226, Orphanet 848, MedGen C1858990, MONDO:0011381, OMIM 603902.
Malaria, susceptibility to. Identifiers: Orphanet 673, MedGen C1970028, MONDO:0021024, OMIM 611162.
alpha Thalassemia. Also called: Alpha thalassemia spectrum. Identifiers: Orphanet 846, MedGen C0002312, MONDO:0011399, OMIM 604131.
Heinz body anemia. Also called: Heinz body hemolytic anemia. Identifiers: Orphanet 178330, MedGen C0700299, MONDO:0007705, OMIM 140700, HP:0005511.
Fetal hemoglobin quantitative trait locus 1 (HBFQTL1). Identifiers: Orphanet 251380, MedGen C1841621.
Hereditary persistence of fetal hemoglobin. Identifiers: MedGen C0019025, MONDO:0020989, OMIM 141749.
Inborn genetic diseases. Identifiers: MedGen C0950123, MeSH D030342.
HBB-related disorder. Also called: HBB-related disorders; HBB-related condition. Identifiers: MedGen CN239378.
Beta thalassemia intermedia (BTHAL-ITMD). Identifiers: Orphanet 231222, MedGen C0472767, MONDO:0016487.
BETA-PLUS-THALASSEMIA. Identifiers: MedGen C3841475.

Allele frequency attached by ClinVar (database versions not stated): gnomAD 0.00009 and 0.00007; ExAC 0.00015; TOPMed 0.00010; gnomAD exomes 0.00012.
gnomAD v4.1: 119 of 1,612,160 alleles (0.0074%); highest among the groups gnomAD compares: Middle Eastern, 0.23%; 1 homozygote.

Submissions 1 to 8 of 34:

CeGaT Center for Human Genetics Tuebingen
Classification: Pathogenic. Last evaluated: 2026-09-01. Review status: criteria provided, single submitter. Criteria: CeGaT Center For Human Genetics Tuebingen Variant Classification Criteria Version 2. Collection method: clinical testing. Allele origin: germline. Affected: yes. Observed: 7 variant alleles.
Comment: HBB: PS4, PP1:Moderate, PP4:Moderate, PS3:Moderate

OLLIN Analises Genomicas, OLLIN
Classification: Pathogenic for Malaria, susceptibility to. Last evaluated: 2026-08-06. Review status: criteria provided, single submitter. Criteria: ACMG Guidelines 2015 PMID 25741868. Collection method: clinical testing. Allele origin: germline. Inheritance: Autosomal dominant inheritance.
Comment: This variant, has been reported in ClinVar (accession VCV000439165.2), in gnomAD with an allele frequency of 0.0074%, and in the scientific literature, in compound heterozygosity, in individuals with HBB related disorders (PMID: 11939510). Another pathogenic variant has been reported to result in the same amino acid substitution. According to the currently available evidence, this variant has been classified as pathogenic (PS1_M, PS4, PM2_P, PM3_VS, PP3).

Victorian Clinical Genetics Services, Murdoch Childrens Research Institute
Classification: Pathogenic for Beta-thalassemia HBB/LCRB. Last evaluated: 2026-05-28. Review status: criteria provided, single submitter. Criteria: ACMG Guidelines, 2015. Collection method: clinical testing. Allele origin: germline. Affected: no.
Comment: This variant is classified as Pathogenic. Evidence in support of pathogenic classification: Splice site variant proven to affect splicing of the transcript with uncertain effect on protein sequence. Mouse study showed that the splice variant created 3 different possible cryptic GT splicing sites, two of which are NMD predicted (PMID: 26097845); Variant is present in gnomAD <0.01 (v4; 117 heterozygotes, 1 homozygote); This variant has strong previous evidence of pathogenicity in unrelated individuals. It has been classified as pathogenic and likely pathogenic by many clinical laboratories (ClinVar) and has been reported in individuals with beta thalassemia (PMID: 32420772). Additional information: This variant is heterozygous; This gene is associated with both recessive and dominant disease; An alternative amino acid change at the same position has been observed in gnomAD (v4; 1 heterozygote, 0 homozygotes); Another non-canonical splice variant comparable to the one identified in this case has inconclusive previous evidence for pathogenicity. c.92+6T>A has been classified as a variant of uncertain significance by one clinical laboratory (ClinVar); In silico predictions for abnormal splicing are conflicting; Loss of function is a known mechanism of disease in this gene and is associated with HBB-related hemoglobinopathies, including beta thalassemia (OMIM). Dominant negative is also a suggested mechanism (PMID: 29700171); Variants in this gene are known to have variable expressivity. Variable severity has been reported in sickle cell patients carrying the same variants (PMID: 31788855). In addition, clinical severity of beta-thalassemia patients is also dependent on whether variants in HBB are heterozygous, homozygous or compound heterozygous, and the amount of residual protein that is expressed (PMID: 20301599).

PreventionGenetics, part of Exact Sciences
Classification: Pathogenic for HBB-related condition. Last evaluated: 2026-04-13. Review status: criteria provided, single submitter. Criteria: ACMG Guidelines, 2015. Collection method: clinical testing. Allele origin: germline.
Comment: The HBB c.92+6T>C variant is predicted to interfere with splicing. This variant, also known as IVS-I-6 (T>C), has previously been reported to be causative for beta-thalassemia (Orkin et al. 1982. PubMed ID: 6280057; Makhoul et al. 2005. PubMed ID: 15638828). mRNA studies showed that this variant results in aberrant splicing (Breveglieri et al. 2015. PubMed ID: 26097845). This variant is reported in 0.021% of alleles in individuals of European (Non-Finnish) descent in gnomAD. This variant is interpreted as pathogenic.

Labcorp Genetics (formerly Invitae), Labcorp
Classification: Pathogenic. Last evaluated: 2026-01-24. Review status: criteria provided, single submitter. Criteria: Invitae Variant Classification Sherloc (09022015). Collection method: clinical testing. Allele origin: germline.
Comment: This sequence change falls in intron 1 of the HBB gene. It does not directly change the encoded amino acid sequence of the HBB protein. RNA analysis indicates that this variant induces altered splicing and may result in an absent or altered protein product. This variant is present in population databases (rs35724775, gnomAD 0.02%). This variant has been observed in individuals with beta thalassemia (PMID: 2200760, 7668219, 21797703, 25856402, 28366028, 28391758, 28670940). It has also been observed to segregate with disease in related individuals. This variant is also known as IVS-1-VI and IVS-I-6 T>C. ClinVar contains an entry for this variant (Variation ID: 15450). Variants that disrupt the consensus splice site are a relatively common cause of aberrant splicing (PMID: 17576681, 9536098). Studies have shown that this variant results in alternative splicing, and produces a non-functional protein and/or introduces a premature termination codon (PMID: 26097845). For these reasons, this variant has been classified as Pathogenic.

Natera, Inc.
Classification: Pathogenic for Beta thalassemia. Last evaluated: 2025-12-22. Review status: criteria provided, single submitter. Criteria: Natera Variant Classification Schema (03/2026). Collection method: clinical testing. Allele origin: germline.
Comment: The c.92+6T>C variant in HBB is an intronic variant located outside the canonical splice sites. This variant is rare in the general population with a frequency below the threshold expected for the associated phenotype(s). This variant has been observed in one or more individuals affected with the associated recessive disease, as either homozygous or compound heterozygous with a second variant (PMID: 34258108, 32732363). Given the available evidence, this variant is classified as Pathogenic.

Dasa
Classification: Pathogenic. Last evaluated: 2025-11-11. Review status: criteria provided, single submitter. Criteria: DASA Assertion Criteria. Collection method: clinical testing. Allele origin: germline.
Comment: NM_000518.5(HBB):c.92+6T>C is a splice-region variant predicted to affect normal RNA splicing. This variant results in the same amino acid change as a previously established pathogenic variant. This variant has been observed in affected individuals with related phenotype in a genotype context consistent with recessive disease (PMID: 38993732; PMID: 7668219; PMID: 2200760; PMID: 21797703; PMID: 25856402). Functional evidence supports a deleterious effect on the gene or gene product (PMID: 38993732; PMID: 7668219; PMID: 2200760; PMID: 21797703; PMID: 25856402). This variant has been recurrently observed in individuals with related phenotype (PMID: 38993732; PMID: 7668219; PMID: 2200760; PMID: 21797703; PMID: 25856402). Multiple computational predictions support a deleterious effect on the gene or gene product. The variant is present at low frequency in population datasets. Based on the available data, this variant is classified as pathogenic.

3billion
Classification: Pathogenic for Beta-thalassemia HBB/LCRB. Last evaluated: 2025-10-01. Review status: criteria provided, single submitter. Criteria: ACMG Guidelines, 2015. Collection method: clinical testing. Allele origin: germline. Affected: yes.
Comment: The variant is observed at an extremely low frequency in the gnomAD v4.1.0 dataset (total allele frequency: 0.007%). Predicted Consequence/Location: Intron variant In silico tools predict the variant to alter splicing and produce an abnormal transcript [SpliceAI: 0.44 (>=0.2, moderate evidence for spliceogenicity)]. The variant has been reported multiple times as an established pathogenic variant (ClinVar ID: VCV000015450 /PMID: 6280057, VCV000015450 /3billion dataset). Therefore, this variant is classified as Pathogenic according to the recommendation of ACMG/AMP guideline.